The following is an entry in ClinVar:

NM_006206.6(PDGFRA):c.956C>T (p.Pro319Leu)

Gene: PDGFRA (platelet derived growth factor receptor alpha; plus strand). Cytogenetic location: 4q12.
Variant type: single nucleotide variant.
Coding change: c.956C>T on transcript NM_006206.6 (MANE Select); coding-DNA position 956, C replaced by T.
Protein change: p.Pro319Leu; replaces proline 319 with leucine.
Molecular consequence: missense variant.
Genome position (GRCh38, 1-based): chr4:54,267,576, C>T. VCF-style: chr4-54267576-C-T. GRCh37 (hg19) VCF-style: chr4-55133743-C-T.
Other names: c.956C>T, p.Pro319Leu (NM_001347827.2, NM_001347829.2); c.1031C>T, p.Pro344Leu (NM_001347828.2); c.995C>T, p.Pro332Leu (NM_001347830.2); short protein forms P332L, P344L, P319L.
Identifiers: ClinVar variation 3664700 (VCV003664700.2).

ClinVar aggregate classification (germline): Uncertain significance (1 of 4 stars; one submission).

Conditions:
Gastrointestinal stromal tumor. Also called: Gastrointestinal stromal tumor, somatic; Gastrointestinal stroma tumor. Identifiers: Orphanet 44890, MedGen C0238198, MeSH D046152, MONDO:0011719, OMIM 606764, HP:0100723.

Submission:

Labcorp Genetics (formerly Invitae), Labcorp
Classification: Uncertain significance for Gastrointestinal stromal tumor. Last evaluated: 2024-12-24. Review status: criteria provided, single submitter. Criteria: Invitae Variant Classification Sherloc (09022015). Collection method: clinical testing. Allele origin: germline.
Comment: This sequence change replaces proline, which is neutral and non-polar, with leucine, which is neutral and non-polar, at codon 319 of the PDGFRA protein (p.Pro319Leu). This variant is not present in population databases (gnomAD no frequency). This variant has not been reported in the literature in individuals affected with PDGFRA-related conditions. Invitae Evidence Modeling of protein sequence and biophysical properties (such as structural, functional, and spatial information, amino acid conservation, physicochemical variation, residue mobility, and thermodynamic stability) indicates that this missense variant is not expected to disrupt PDGFRA protein function with a negative predictive value of 80%. In summary, the available evidence is currently insufficient to determine the role of this variant in disease. Therefore, it has been classified as a Variant of Uncertain Significance.